The following is an entry in ClinVar:

NM_000236.3(LIPC):c.1120A>G (p.Met374Val)

Gene: LIPC (lipase C, hepatic type; plus strand). Cytogenetic location: 15q21.3.
Variant type: single nucleotide variant.
Coding change: c.1120A>G on transcript NM_000236.3 (MANE Select); coding-DNA position 1120, A replaced by G.
Protein change: p.Met374Val; replaces methionine 374 with valine.
Molecular consequence: missense variant.
Genome position (GRCh38, 1-based): chr15:58,560,932, A>G. VCF-style: chr15-58560932-A-G. GRCh37 (hg19) VCF-style: chr15-58853131-A-G.
Other names: short protein forms M374V.
Identifiers: ClinVar variation 2956024 (VCV002956024.3), dbSNP rs751512653, ClinGen allele CA7585119.

ClinVar aggregate classification (germline): Uncertain significance (1 of 4 stars; one submission).

Allele frequency attached by ClinVar (database versions not stated): ExAC 0.00001; gnomAD exomes 0.00001.
gnomAD v4.1: 7 of 1,571,926 alleles (0.00045%); highest among the groups gnomAD compares: Admixed American, 0.0033%; no homozygotes.

Submission:

Labcorp Genetics (formerly Invitae), Labcorp
Classification: Uncertain significance. Last evaluated: 2024-11-18. Review status: criteria provided, single submitter. Criteria: Invitae Variant Classification Sherloc (09022015). Collection method: clinical testing. Allele origin: germline.
Comment: This sequence change replaces methionine, which is neutral and non-polar, with valine, which is neutral and non-polar, at codon 374 of the LIPC protein (p.Met374Val). This variant is present in population databases (rs751512653, gnomAD 0.003%). This variant has not been reported in the literature in individuals affected with LIPC-related conditions. ClinVar contains an entry for this variant (Variation ID: 2956024). Invitae Evidence Modeling of protein sequence and biophysical properties (such as structural, functional, and spatial information, amino acid conservation, physicochemical variation, residue mobility, and thermodynamic stability) indicates that this missense variant is not expected to disrupt LIPC protein function with a negative predictive value of 80%. In summary, the available evidence is currently insufficient to determine the role of this variant in disease. Therefore, it has been classified as a Variant of Uncertain Significance.